The following is an entry in ClinVar:

NM_000090.4(COL3A1):c.2436T>C (p.Pro812=)

Genes: COL3A1 (collagen type III alpha 1 chain; plus strand), LOC126806446 (P300/CBP strongly-dependent group 1 enhancer GRCh37_chr2:189866210-189867409; plus strand). Cytogenetic location: 2q32.2.
Variant type: single nucleotide variant.
Coding change: c.2436T>C on transcript NM_000090.4 (MANE Select); coding-DNA position 2436, T replaced by C.
Protein change: p.Pro812=; no amino-acid change (proline 812 retained).
Molecular consequence: synonymous variant.
Genome position (GRCh38, 1-based): chr2:189,002,342, T>C. VCF-style: chr2-189002342-T-C. GRCh37 (hg19) VCF-style: chr2-189867068-T-C.
Identifiers: ClinVar variation 511520 (VCV000511520.13), dbSNP rs1214826179, ClinGen allele CA430311279.

ClinVar aggregate classification (germline): Likely benign. Review status: criteria provided, multiple submitters, no conflicts (2 of 4 stars). 5 submissions from 5 submitters: Likely benign (5). Last evaluated 2026-06-25.

Conditions:
Familial thoracic aortic aneurysm and aortic dissection (TAAD). Also called: Thoracic aortic aneurysms and dissections. Identifiers: Orphanet 91387, MedGen C4707243, MONDO:0019625.
Ehlers-Danlos syndrome, type 4 (EDSVASC). Also called: Ehlers-Danlos syndrome vascular type; Ehlers Danlos syndrome, ecchymotic type; Ehlers Danlos syndrome, arterial type; Ehlers Danlos syndrome, Sack-Barabas type; Ehlers-Danlos Syndrome Type IV. Identifiers: Orphanet 286, MedGen C0268338, MONDO:0017314, OMIM 130050.

Allele frequency attached by ClinVar (database versions not stated): TOPMed below 0.00001; gnomAD 0.00001; gnomAD exomes 0.00001.
gnomAD v4.1: 19 of 1,613,750 alleles (0.0012%); highest among the groups gnomAD compares: Non-Finnish European, 0.0016%; no homozygotes.

Submissions (5):

Ambry Genetics
Classification: Likely benign for Familial thoracic aortic aneurysm and aortic dissection. Last evaluated: 2026-06-25. Review status: criteria provided, single submitter. Criteria: Ambry Variant Classification Scheme 2023. Collection method: clinical testing. Allele origin: germline.

Labcorp Genetics (formerly Invitae), Labcorp
Classification: Likely benign for Ehlers-Danlos syndrome, type 4. Last evaluated: 2026-01-19. Review status: criteria provided, single submitter. Criteria: Invitae Variant Classification Sherloc (09022015). Collection method: clinical testing. Allele origin: germline.

All of Us Research Program, National Institutes of Health
Classification: Likely benign for Ehlers-Danlos syndrome, type 4. Last evaluated: 2023-12-18. Review status: criteria provided, single submitter. Criteria: ACMG Guidelines, 2015. Collection method: clinical testing. Allele origin: germline. Inheritance: Autosomal dominant inheritance. Observed: 4 variant alleles, 4 heterozygotes.
Comment: This study involves interpretation of variants in research participants for the purpose of population health screening. Participant phenotype was not available at the time of variant classification. Additional details can be found in publication PMID: 35346344, PMCID: PMC8962531

Color Diagnostics, LLC DBA Color Health
Classification: Likely benign for Familial thoracic aortic aneurysm and aortic dissection. Last evaluated: 2020-10-13. Review status: criteria provided, single submitter. Criteria: ACMG Guidelines, 2015. Collection method: clinical testing. Allele origin: germline.

GeneDx
Classification: Likely benign. Last evaluated: 2017-08-21. Review status: criteria provided, single submitter. Criteria: GeneDx Variant Classification (06012015). Collection method: clinical testing. Allele origin: germline. Affected: yes.
Comment: This variant is considered likely benign or benign based on one or more of the following criteria: it is a conservative change, it occurs at a poorly conserved position in the protein, it is predicted to be benign by multiple in silico algorithms, and/or has population frequency not consistent with disease.